The following is an entry in ClinVar:

NM_016356.5(DCDC2):c.1219G>C (p.Gly407Arg)

Gene: DCDC2 (doublecortin domain containing 2; minus strand). Cytogenetic location: 6p22.3.
Variant type: single nucleotide variant.
Coding change: c.1219G>C on transcript NM_016356.5 (MANE Select); coding-DNA position 1219, G replaced by C.
Protein change: p.Gly407Arg; replaces glycine 407 with arginine.
Molecular consequence: missense variant.
Genome position (GRCh38, 1-based): chr6:24,178,437, C>G on the plus strand (G>C on the coding strand, the complement: DCDC2 is on the minus strand). VCF-style: chr6-24178437-C-G. GRCh37 (hg19) VCF-style: chr6-24178665-C-G.
Other names: c.1219G>C, p.Gly407Arg (NM_001195610.2); c.1219G>C (NM_016356.3); short protein forms G407R.
Identifiers: ClinVar variation 1478170 (VCV001478170.5), dbSNP rs756047736, ClinGen allele CA3654484.

ClinVar aggregate classification (germline): Uncertain significance. Review status: criteria provided, multiple submitters, no conflicts (2 of 4 stars). 2 submissions from 2 submitters: Uncertain significance (2). Last evaluated 2025-08-20.

Conditions:
Isolated neonatal sclerosing cholangitis (NSC). Also called: Sclerosing cholangitis, neonatal. Identifiers: Orphanet 480556, MedGen C4479344, MONDO:0018816, OMIM 617394.
Autosomal recessive nonsyndromic hearing loss 66 (DFNB66). Also called: Deafness, autosomal recessive 66. Identifiers: Orphanet 90636, MedGen C1857750, MONDO:0012442, OMIM 610212.
Inborn genetic diseases. Identifiers: MedGen C0950123, MeSH D030342.

Allele frequency attached by ClinVar (database versions not stated): TOPMed below 0.00001.
gnomAD v4.1: 11 of 1,614,194 alleles (0.00068%); highest among the groups gnomAD compares: Admixed American, 0.012%; no homozygotes.

Submissions (2):

Ambry Genetics
Classification: Uncertain significance for Inborn genetic diseases. Last evaluated: 2025-08-20. Review status: criteria provided, single submitter. Criteria: Ambry Variant Classification Scheme 2023. Collection method: clinical testing. Allele origin: germline.

Labcorp Genetics (formerly Invitae), Labcorp
Classification: Uncertain significance for Autosomal recessive nonsyndromic hearing loss 66; Isolated neonatal sclerosing cholangitis. Last evaluated: 2022-11-22. Review status: criteria provided, single submitter. Criteria: Invitae Variant Classification Sherloc (09022015). Collection method: clinical testing. Allele origin: germline.
Comment: In summary, the available evidence is currently insufficient to determine the role of this variant in disease. Therefore, it has been classified as a Variant of Uncertain Significance. Algorithms developed to predict the effect of missense changes on protein structure and function (SIFT, PolyPhen-2, Align-GVGD) all suggest that this variant is likely to be tolerated. ClinVar contains an entry for this variant (Variation ID: 1478170). This variant has not been reported in the literature in individuals affected with DCDC2-related conditions. This variant is present in population databases (rs756047736, gnomAD 0.006%). This sequence change replaces glycine, which is neutral and non-polar, with arginine, which is basic and polar, at codon 407 of the DCDC2 protein (p.Gly407Arg).